The following is an entry in ClinVar:

ClinVar aggregate classification (germline): Uncertain significance. Review status: criteria provided, multiple submitters, no conflicts (2 of 4 stars). 2 submissions from 2 submitters: Uncertain significance (2). Last evaluated 2022-11-22.

Conditions:
Neuropathy, hereditary sensory, type 2C. Also called: Hereditary sensory and autonomic neuropathy type IIC; KIF1A-Related HSAN2 (HSAN2C). Identifiers: Orphanet 970, MedGen C3280168, MONDO:0013634, OMIM 614213.
Intellectual disability, autosomal dominant 9 (NESCAVS). Also called: KIF1A-Related Neurodevelopmental Disorder; NESCAV SYNDROME. Identifiers: Orphanet 662367, MedGen C5393830, MONDO:0013656, OMIM 614255.
Hereditary spastic paraplegia 30. Identifiers: Orphanet 101010, MedGen C5235139, MONDO:0012476.

Submissions (2):

Labcorp Genetics (formerly Invitae), Labcorp
Classification: Uncertain significance for Hereditary spastic paraplegia 30; Neuropathy, hereditary sensory, type 2C; Intellectual disability, autosomal dominant 9. Last evaluated: 2022-11-22. Review status: criteria provided, single submitter. Criteria: Invitae Variant Classification Sherloc (09022015). Collection method: clinical testing. Allele origin: germline.
Comment: In summary, the available evidence is currently insufficient to determine the role of this variant in disease. Therefore, it has been classified as a Variant of Uncertain Significance. Advanced modeling of protein sequence and biophysical properties (such as structural, functional, and spatial information, amino acid conservation, physicochemical variation, residue mobility, and thermodynamic stability) performed at Invitae indicates that this missense variant is not expected to disrupt KIF1A protein function. ClinVar contains an entry for this variant (Variation ID: 1030767). This variant has not been reported in the literature in individuals affected with KIF1A-related conditions. This variant is not present in population databases (gnomAD no frequency). This sequence change replaces threonine, which is neutral and polar, with serine, which is neutral and polar, at codon 1501 of the KIF1A protein (p.Thr1501Ser).

Baylor Genetics
Classification: Uncertain significance for Intellectual disability, autosomal dominant 9. Last evaluated: 2020-01-20. Review status: criteria provided, single submitter. Criteria: ACMG Guidelines, 2015. Collection method: clinical testing. Allele origin: unknown. Affected: yes.
Comment: This variant was determined to be of uncertain significance according to ACMG Guidelines, 2015 [PMID:25741868].

NM_001244008.2(KIF1A):c.4805C>G (p.Thr1602Ser)

Gene: KIF1A (kinesin family member 1A; minus strand). Cytogenetic location: 2q37.3.
Variant type: single nucleotide variant.
Coding change: c.4805C>G on transcript NM_001244008.2 (MANE Select); coding-DNA position 4805, C replaced by G.
Protein change: p.Thr1602Ser; replaces threonine 1602 with serine.
Molecular consequence: missense variant.
Genome position (GRCh38, 1-based): chr2:240,720,977, G>C on the plus strand (C>G on the coding strand, the complement: KIF1A is on the minus strand). VCF-style: chr2-240720977-G-C. GRCh37 (hg19) VCF-style: chr2-241660394-G-C.
Other names: c.4529C>G, p.Thr1510Ser (NM_001320705.2, NM_001379649.1); c.4556C>G, p.Thr1519Ser (NM_001330289.2); c.4604C>G, p.Thr1535Ser (NM_001330290.2, NM_001379648.1); c.4880C>G, p.Thr1627Ser (NM_001379631.1); c.4781C>G, p.Thr1594Ser (NM_001379632.1); c.4778C>G, p.Thr1593Ser (NM_001379633.1, NM_001379645.1); c.4631C>G, p.Thr1544Ser (NM_001379634.1); c.4628C>G, p.Thr1543Ser (NM_001379635.1, NM_001379646.1); and 7 more; short protein forms T1501S, T1544S, T1593S, T1509S, T1518S, T1519S, T1543S, T1627S.
Identifiers: ClinVar variation 1030767 (VCV001030767.6), dbSNP rs1232607807, ClinGen allele CA351301780.